The following is an entry in ClinVar:

ClinVar aggregate classification (germline): Conflicting classifications of pathogenicity. Review status: criteria provided, conflicting classifications (1 of 4 stars). 5 submissions from 5 submitters: Uncertain significance (4); Likely benign (1). Last evaluated 2025-12-09.

Conditions:
Hereditary cancer-predisposing syndrome. Also called: Neoplastic Syndromes, Hereditary; Hereditary Cancer Syndrome; Hereditary neoplastic syndrome; Tumor predisposition. Identifiers: Orphanet 140162, MedGen C0027672, MeSH D009386, MONDO:0015356.
Multiple endocrine neoplasia, type 2 (MEN2). Identifiers: Orphanet 653, MedGen C4048306, MONDO:0019003. Disease mechanism: gain of function.

Allele frequency attached by ClinVar (database versions not stated): ExAC 0.00001; gnomAD 0.00001 and 0.00002; gnomAD exomes 0.00001 and 0.00003; TOPMed 0.00003.
gnomAD v4.1: 42 of 1,613,730 alleles (0.0026%); highest among the groups gnomAD compares: Non-Finnish European, 0.0036%; no homozygotes.

Submissions (5):

Labcorp Genetics (formerly Invitae), Labcorp
Classification: Uncertain significance for Multiple endocrine neoplasia, type 2. Last evaluated: 2025-12-09. Review status: criteria provided, single submitter. Criteria: Invitae Variant Classification Sherloc (09022015). Collection method: clinical testing. Allele origin: germline.
Comment: This sequence change replaces valine, which is neutral and non-polar, with alanine, which is neutral and non-polar, at codon 388 of the RET protein (p.Val388Ala). This variant is present in population databases (rs751939820, gnomAD 0.002%). This variant has not been reported in the literature in individuals affected with RET-related conditions. ClinVar contains an entry for this variant (Variation ID: 477306). An algorithm developed to predict the effect of missense changes on protein structure and function outputs the following: PolyPhen-2: "Benign". The alanine amino acid residue is found in multiple mammalian species, which suggests that this missense change does not adversely affect protein function. In summary, the available evidence is currently insufficient to determine the role of this variant in disease. Therefore, it has been classified as a Variant of Uncertain Significance.

Color Diagnostics, LLC DBA Color Health
Classification: Uncertain significance for Multiple endocrine neoplasia, type 2. Last evaluated: 2025-06-09. Review status: criteria provided, single submitter. Criteria: ACMG Guidelines, 2015. Collection method: clinical testing. Allele origin: germline.
Comment: This missense variant replaces valine with alanine at codon 388 of the RET protein. Computational prediction suggests that this variant may not impact protein structure and function. To our knowledge, functional studies have not been reported for this variant. This variant has not been reported in individuals affected with RET-related disorders in the literature. This variant has been identified in 2/251000 chromosomes in the general population by the Genome Aggregation Database (gnomAD). The available evidence is insufficient to determine the role of this variant in disease conclusively. Therefore, this variant is classified as a Variant of Uncertain Significance.

All of Us Research Program, National Institutes of Health
Classification: Uncertain significance for Multiple endocrine neoplasia, type 2. Last evaluated: 2024-09-23. Review status: criteria provided, single submitter. Criteria: ACMG Guidelines, 2015. Collection method: clinical testing. Allele origin: germline. Inheritance: Autosomal dominant inheritance. Observed: 3 variant alleles, 3 heterozygotes.
Comment: This study involves interpretation of variants in research participants for the purpose of population health screening. Participant phenotype was not available at the time of variant classification. Additional details can be found in publication PMID: 35346344, PMCID: PMC8962531

GeneDx
Classification: Uncertain significance. Last evaluated: 2023-12-15. Review status: criteria provided, single submitter. Criteria: GeneDx Variant Classification Process June 2021. Collection method: clinical testing. Allele origin: germline. Affected: yes.
Comment: Not observed at significant frequency in large population cohorts (gnomAD); In silico analysis supports that this missense variant does not alter protein structure/function; Has not been previously published as pathogenic or benign to our knowledge; This variant is associated with the following publications: (PMID: 14633923)

Ambry Genetics
Classification: Likely benign for Hereditary cancer-predisposing syndrome. Last evaluated: 2023-01-23. Review status: criteria provided, single submitter. Criteria: Ambry Variant Classification Scheme 2023. Collection method: clinical testing. Allele origin: germline.

NM_020975.6(RET):c.1163T>C (p.Val388Ala)

Gene: RET (ret proto-oncogene; plus strand). Cytogenetic location: 10q11.21.
Variant type: single nucleotide variant.
Coding change: c.1163T>C on transcript NM_020975.6 (MANE Select); coding-DNA position 1163, T replaced by C.
Protein change: p.Val388Ala; replaces valine 388 with alanine.
Molecular consequence: missense variant.
Genome position (GRCh38, 1-based): chr10:43,109,130, T>C. VCF-style: chr10-43109130-T-C. GRCh37 (hg19) VCF-style: chr10-43604578-T-C.
Other names: c.1163T>C, p.Val388Ala (NM_000323.2, NM_001406743.1, NM_001406744.1 and 6 more transcripts); c.401T>C, p.Val134Ala (NM_001355216.2); c.1034T>C, p.Val345Ala (NM_001406761.1, NM_001406762.1, NM_001406764.1 and 1 more transcripts); c.875T>C, p.Val292Ala (NM_001406766.1, NM_001406767.1, NM_001406770.1); c.725T>C, p.Val242Ala (NM_001406771.1, NM_001406773.1); c.437T>C, p.Val146Ala (NM_001406775.1, NM_001406776.1, NM_001406777.1 and 1 more transcripts); c.173T>C, p.Val58Ala (NM_001406784.1); short protein forms V388A, V134A, V242A, V58A, V345A, V146A, V292A.
Identifiers: ClinVar variation 477306 (VCV000477306.18), dbSNP rs751939820, ClinGen allele CA031993.
Genomic context (GRCh38, chr10:43,109,130, plus strand): 5'-GCACCATGCAGCTGGCGGTGCTGGTCAATGACTCAGACTTCCAGGGCCCAGGAGCGGGCG[T>C]CCTCTTGCTCCACTTCAACGTGTCGGTGCTGCCGGTCAGCCTGCACCTGCCCAGTACCTA-3'
Protein context (NP_066124.1, residues 378-398): DSDFQGPGAG[Val388Ala]LLLHFNVSVL